The following is an entry in ClinVar:

ClinVar aggregate classification (germline): Uncertain significance. Review status: criteria provided, multiple submitters, no conflicts (2 of 4 stars). 2 submissions from 2 submitters: Uncertain significance (2). Last evaluated 2023-11-04.

Conditions:
Hereditary cancer-predisposing syndrome. Also called: Tumor predisposition; Hereditary neoplastic syndrome; Hereditary Cancer Syndrome; Neoplastic Syndromes, Hereditary. Identifiers: Orphanet 140162, MedGen C0027672, MeSH D009386, MONDO:0015356.

Allele frequency attached by ClinVar (database versions not stated): gnomAD exomes below 0.00001.
gnomAD v4.1: 1 of 1,613,780 alleles (0.000062%); highest among the groups gnomAD compares: Non-Finnish European, 0.000085%; no homozygotes.

Submissions (2):

Ambry Genetics
Classification: Uncertain significance for Hereditary cancer-predisposing syndrome. Last evaluated: 2023-11-04. Review status: criteria provided, single submitter. Criteria: Ambry Variant Classification Scheme 2023. Collection method: clinical testing. Allele origin: germline.
Comment: The p.T536N variant (also known as c.1607C>A), located in coding exon 10 of the RAD50 gene, results from a C to A substitution at nucleotide position 1607. The threonine at codon 536 is replaced by asparagine, an amino acid with similar properties. This amino acid position is conserved. In addition, the in silico prediction for this alteration is inconclusive. Since supporting evidence is limited at this time, the clinical significance of this alteration remains unclear.

Labcorp Genetics (formerly Invitae), Labcorp
Classification: Uncertain significance for Hereditary cancer-predisposing syndrome. Last evaluated: 2021-01-19. Review status: criteria provided, single submitter. Criteria: Invitae Variant Classification Sherloc (09022015). Collection method: clinical testing. Allele origin: germline.
Comment: In summary, the available evidence is currently insufficient to determine the role of this variant in disease. Therefore, it has been classified as a Variant of Uncertain Significance. Algorithms developed to predict the effect of sequence changes on RNA splicing suggest that this variant may create or strengthen a splice site, but this prediction has not been confirmed by published transcriptional studies. Algorithms developed to predict the effect of missense changes on protein structure and function (SIFT, PolyPhen-2, Align-GVGD) all suggest that this variant is likely to be tolerated, but these predictions have not been confirmed by published functional studies and their clinical significance is uncertain. This variant has not been reported in the literature in individuals with RAD50-related conditions. This variant is not present in population databases (ExAC no frequency). This sequence change replaces threonine with asparagine at codon 536 of the RAD50 protein (p.Thr536Asn). The threonine residue is moderately conserved and there is a small physicochemical difference between threonine and asparagine.

NM_005732.4(RAD50):c.1607C>A (p.Thr536Asn)

Gene: RAD50 (RAD50 double strand break repair protein; plus strand). Cytogenetic location: 5q31.1.
Variant type: single nucleotide variant.
Coding change: c.1607C>A on transcript NM_005732.4 (MANE Select); coding-DNA position 1607, C replaced by A.
Protein change: p.Thr536Asn; replaces threonine 536 with asparagine.
Molecular consequence: missense variant.
Genome position (GRCh38, 1-based): chr5:132,591,378, C>A. VCF-style: chr5-132591378-C-A. GRCh37 (hg19) VCF-style: chr5-131927070-C-A.
Other names: c.1607C>A (NM_005732.3); short protein forms T536N.
Identifiers: ClinVar variation 1463130 (VCV001463130.9), dbSNP rs1554098423, ClinGen allele CA360946101.
Genomic context (GRCh38, chr5:132,591,378, plus strand): 5'-GGACCCTGCGTAAACTTGACCAGGAGATGGAGCAGTTAAACCATCATACAACAACACGTA[C>A]CCAAATGGAGATGCTGACCAAAGACAAAGTATGATTTTTCTTTTTGTTCTAATTATACTG-3'
Protein context (NP_005723.2, residues 526-546): EQLNHHTTTR[Thr536Asn]QMEMLTKDKA